The following is an entry in ClinVar:

ClinVar aggregate classification (germline): Uncertain significance (1 of 4 stars; one submission).

Submission:

GeneDx
Classification: Uncertain significance. Last evaluated: 2025-06-09. Review status: criteria provided, single submitter. Criteria: GeneDx Variant Classification Process June 2021. Collection method: clinical testing. Allele origin: germline. Affected: yes.
Comment: Not observed at significant frequency in large population cohorts (gnomAD); In silico analysis supports that this missense variant has a deleterious effect on protein structure/function; Has not been previously published as pathogenic or benign to our knowledge

NM_015015.3(KDM4B):c.2717A>G (p.His906Arg)

Gene: KDM4B (lysine demethylase 4B; plus strand). Cytogenetic location: 19p13.3.
Variant type: single nucleotide variant.
Coding change: c.2717A>G on transcript NM_015015.3 (MANE Select); coding-DNA position 2717, A replaced by G.
Protein change: p.His906Arg; replaces histidine 906 with arginine.
Molecular consequence: missense variant.
Genome position (GRCh38, 1-based): chr19:5,144,133, A>G. VCF-style: chr19-5144133-A-G. GRCh37 (hg19) VCF-style: chr19-5144144-A-G.
Other names: c.2819A>G, p.His940Arg (NM_001411148.1); short protein forms H906R, H940R.
Identifiers: ClinVar variation 4537584 (VCV004537584.1).
Genomic context (GRCh38, chr19:5,144,133, plus strand): 5'-CAGGCGTGCTCATGGAGCCGGACGACTGGCCCTATGTGGTCTCCATCACCTGCCTCAAGC[A>G]CAAGTCGGGGGGTCACGCTGTGAGTGCCTGCCCGCCTCCTTGCCCCCAGCCCCTGGCTCC-3'
Protein context (NP_055830.1, residues 896-916): PYVVSITCLK[His906Arg]KSGGHAVQLL